The following is an entry in ClinVar:

NM_001135649.3(FOXI3):c.1112G>C (p.Ser371Thr)

Gene: FOXI3 (forkhead box I3; minus strand). Cytogenetic location: 2p11.2.
Variant type: single nucleotide variant.
Coding change: c.1112G>C on transcript NM_001135649.3 (MANE Select); coding-DNA position 1112, G replaced by C.
Protein change: p.Ser371Thr; replaces serine 371 with threonine.
Molecular consequence: missense variant.
Genome position (GRCh38, 1-based): chr2:88,448,358, C>G on the plus strand (G>C on the coding strand, the complement: FOXI3 is on the minus strand). VCF-style: chr2-88448358-C-G. GRCh37 (hg19) VCF-style: chr2-88747877-C-G.
Other names: short protein forms S371T.
Identifiers: ClinVar variation 4720690 (VCV004720690.1).
Genomic context (GRCh38, chr2:88,448,358, plus strand): 5'-CTGGTGCTGGCAGGGAAAGGGCTGTAATAGGAAGATCTCTGGCCGGTGCTATTGCTGGTG[C>G]TATTGCTCAGTTGCAAGGTGTCTGCTGAGGCCTCTGAGATGGAGGTCGGGGAGAACACGC-3'
Protein context (NP_001129121.1, residues 361-381): ASADTLQLSN[Ser371Thr]TSNSTGQRSS

ClinVar aggregate classification (germline): Uncertain significance (1 of 4 stars; one submission).

Submission:

Labcorp Genetics (formerly Invitae), Labcorp
Classification: Uncertain significance. Last evaluated: 2025-06-08. Review status: criteria provided, single submitter. Criteria: Invitae Variant Classification Sherloc (09022015). Collection method: clinical testing. Allele origin: germline.
Comment: This sequence change replaces serine, which is neutral and polar, with threonine, which is neutral and polar, at codon 371 of the FOXI3 protein (p.Ser371Thr). This variant is not present in population databases (gnomAD no frequency). This variant has not been reported in the literature in individuals affected with FOXI3-related conditions. Experimental studies and prediction algorithms are not available or were not evaluated, and the functional significance of this variant is currently unknown. In summary, the available evidence is currently insufficient to determine the role of this variant in disease. Therefore, it has been classified as a Variant of Uncertain Significance.